The following is an entry in ClinVar:

ClinVar aggregate classification (germline): Uncertain significance. Review status: criteria provided, multiple submitters, no conflicts (2 of 4 stars). 2 submissions from 2 submitters: Uncertain significance (2). Last evaluated 2023-10-11.

Conditions:
Hereditary cancer-predisposing syndrome. Also called: Neoplastic Syndromes, Hereditary; Tumor predisposition; Hereditary neoplastic syndrome; Hereditary Cancer Syndrome. Identifiers: Orphanet 140162, MedGen C0027672, MeSH D009386, MONDO:0015356.
Familial adenomatous polyposis 1 (FAP1). Also called: POLYPOSIS, ADENOMATOUS INTESTINAL; FAMILIAL ADENOMATOUS POLYPOSIS 1, ATTENUATED. Identifiers: MedGen C2713442, MONDO:0021056, OMIM 175100. Disease mechanism: loss of function.

Allele frequency attached by ClinVar (database versions not stated): gnomAD 0.00001; TOPMed 0.00002.
gnomAD v4.1: 2 of 1,613,906 alleles (0.00012%); highest among the groups gnomAD compares: African/African-American, 0.0027%; no homozygotes.

Submissions (2):

Labcorp Genetics (formerly Invitae), Labcorp
Classification: Uncertain significance for Familial adenomatous polyposis 1. Last evaluated: 2023-10-11. Review status: criteria provided, single submitter. Criteria: Invitae Variant Classification Sherloc (09022015). Collection method: clinical testing. Allele origin: germline.
Comment: This sequence change replaces glutamic acid, which is acidic and polar, with aspartic acid, which is acidic and polar, at codon 1685 of the APC protein (p.Glu1685Asp). This variant is not present in population databases (gnomAD no frequency). This variant has not been reported in the literature in individuals affected with APC-related conditions. ClinVar contains an entry for this variant (Variation ID: 825407). Advanced modeling of protein sequence and biophysical properties (such as structural, functional, and spatial information, amino acid conservation, physicochemical variation, residue mobility, and thermodynamic stability) performed at Invitae indicates that this missense variant is not expected to disrupt APC protein function. In summary, the available evidence is currently insufficient to determine the role of this variant in disease. Therefore, it has been classified as a Variant of Uncertain Significance.

Ambry Genetics
Classification: Uncertain significance for Hereditary cancer-predisposing syndrome. Last evaluated: 2023-08-17. Review status: criteria provided, single submitter. Criteria: Ambry Variant Classification Scheme 2023. Collection method: clinical testing. Allele origin: germline.
Comment: The p.E1685D variant (also known as c.5055A>T), located in coding exon 15 of the APC gene, results from an A to T substitution at nucleotide position 5055. The glutamic acid at codon 1685 is replaced by aspartic acid, an amino acid with highly similar properties. This amino acid position is highly conserved in available vertebrate species. In addition, in silico predictors for this gene do not accurately predict pathogenicity. Since supporting evidence is limited at this time, the clinical significance of this alteration remains unclear.

NM_000038.6(APC):c.5055A>T (p.Glu1685Asp)

Gene: APC (APC regulator of Wnt signaling pathway; plus strand). Cytogenetic location: 5q22.2.
Variant type: single nucleotide variant.
Coding change: c.5055A>T on transcript NM_000038.6 (MANE Select); coding-DNA position 5055, A replaced by T.
Protein change: p.Glu1685Asp; replaces glutamic acid 1685 with aspartic acid.
Molecular consequence: missense variant.
Genome position (GRCh38, 1-based): chr5:112,840,649, A>T. VCF-style: chr5-112840649-A-T. GRCh37 (hg19) VCF-style: chr5-112176346-A-T.
Other names: c.5055A>T, p.Glu1685Asp (NM_001127510.3, NM_001354895.2); c.5001A>T, p.Glu1667Asp (NM_001127511.3); c.5109A>T, p.Glu1703Asp (NM_001354896.2); c.5085A>T, p.Glu1695Asp (NM_001354897.2); c.4980A>T, p.Glu1660Asp (NM_001354898.2); c.4971A>T, p.Glu1657Asp (NM_001354899.2); c.4932A>T, p.Glu1644Asp (NM_001354900.2); c.4878A>T, p.Glu1626Asp (NM_001354901.2); and 5 more; short protein forms E1584D, E1644D, E1657D, E1703D, E1626D, E1660D, E1667D, E1695D.
Identifiers: ClinVar variation 825407 (VCV000825407.15), dbSNP rs1365746402, ClinGen allele CA16032388.